The following is an entry in ClinVar:

ClinVar aggregate classification (germline): Uncertain significance (1 of 4 stars; one submission).

Conditions:
Fanconi anemia complementation group A (FANCA). Also called: Fanconi anemia, group A; FANCA-Related Fanconi Anemia. Identifiers: Orphanet 84, MedGen C3469521, MONDO:0009215, OMIM 227650.

Submission:

Myriad Genetics, Inc.
Classification: Uncertain significance for Fanconi anemia complementation group A. Last evaluated: 2025-08-15. Review status: criteria provided, single submitter. Criteria: Myriad Autosomal Dominant, Autosomal Recessive and X-Linked Classification Criteria (2023). Collection method: clinical testing. Allele origin: unknown.
Comment: NM_000135.2(FANCA):c.3782T>C(F1261S) is a missense variant classified as a variant of uncertain significance in the context of Fanconi anemia complementation group A. F1261S has been observed in a case with relevant disease (PMID: 37216690). Relevant functional assessments of this variant are not available in the literature. F1261S has not been observed in referenced population frequency databases. In summary, there is insufficient evidence to classify NM_000135.2(FANCA):c.3782T>C(F1261S) as pathogenic or benign. Please note: this variant was assessed in the context of healthy population screening.

Literature cited by the submitters: PubMed 37216690.

NM_000135.4(FANCA):c.3782T>C (p.Phe1261Ser)

Genes: FANCA (FA complementation group A; minus strand), ZNF276 (zinc finger protein 276; plus strand). Cytogenetic location: 16q24.3.
Variant type: single nucleotide variant.
Coding change: c.3782T>C on transcript NM_000135.4 (MANE Select); coding-DNA position 3782, T replaced by C.
Protein change: p.Phe1261Ser; replaces phenylalanine 1261 with serine.
Molecular consequence: missense variant. On other transcripts: 3 prime UTR variant (2), non-coding transcript variant (4).
Genome position (GRCh38, 1-based): chr16:89,740,850, A>G on the plus strand (T>C on the coding strand, the complement: FANCA is on the minus strand). VCF-style: chr16-89740850-A-G. GRCh37 (hg19) VCF-style: chr16-89807258-A-G.
Other names: c.3782T>C, p.Phe1261Ser (NM_001286167.3); c.*2604A>G (NM_001113525.2, NM_152287.4); short protein forms F1261S.
Identifiers: ClinVar variation 5003540 (VCV005003540.1).